The following is an entry in ClinVar:

NM_000642.3(AGL):c.3836+4G>A

Gene: AGL (amylo-alpha-1,6-glucosidase and 4-alpha-glucanotransferase; plus strand). Cytogenetic location: 1p21.2.
Variant type: single nucleotide variant.
Coding change: c.3836+4G>A on transcript NM_000642.3 (MANE Select); 4 bases into the intron after coding-DNA position 3836, G replaced by A.
Molecular consequence: intron variant.
Genome position (GRCh38, 1-based): chr1:99,910,851, G>A. VCF-style: chr1-99910851-G-A. GRCh37 (hg19) VCF-style: chr1-100376407-G-A.
Other names: c.3632+4G>A (NM_001425328.1); c.3497+4G>A (NM_001425329.1); c.3458+4G>A (NM_001425332.1); c.3836+4G>A (NM_000643.3, NM_000644.3, NM_001425325.1 and 1 more transcripts); c.3788+4G>A (NM_000646.3); c.3815+4G>A (NM_001425326.1); c.3635+4G>A (NM_001425327.1).
Identifiers: ClinVar variation 456498 (VCV000456498.12), dbSNP rs1488570554, ClinGen allele CA524710409.

ClinVar aggregate classification (germline): Uncertain significance. Review status: criteria provided, multiple submitters, no conflicts (2 of 4 stars). 5 submissions from 5 submitters: Uncertain significance (3). 2 of the submissions do not count toward it. Last evaluated 2023-04-11.

Conditions:
Glycogen storage disease type III (GSD3). Also called: FORBES DISEASE; Cori disease. Identifiers: Orphanet 366, MedGen C0017922, MONDO:0009291, OMIM 232400.

Allele frequency attached by ClinVar (database versions not stated): gnomAD exomes below 0.00001; gnomAD 0.00001; TOPMed 0.00002.
gnomAD v4.1: 15 of 1,611,780 alleles (0.00093%); highest among the groups gnomAD compares: South Asian, 0.0011%; no homozygotes.

Submissions (5):

Genome-Nilou Lab
Classification: Uncertain significance for Glycogen storage disease type III. Last evaluated: 2023-04-11. Review status: criteria provided, single submitter. Criteria: ACMG Guidelines, 2015. Collection method: clinical testing. Allele origin: germline. Affected: no.

Labcorp Genetics (formerly Invitae), Labcorp
Classification: Uncertain significance for Glycogen storage disease type III. Last evaluated: 2022-10-05. Review status: criteria provided, single submitter. Criteria: Invitae Variant Classification Sherloc (09022015). Collection method: clinical testing. Allele origin: germline.
Comment: This sequence change falls in intron 28 of the AGL gene. It does not directly change the encoded amino acid sequence of the AGL protein. It affects a nucleotide within the consensus splice site. This variant is present in population databases (no rsID available, gnomAD 0.0009%). This variant has not been reported in the literature in individuals affected with AGL-related conditions. ClinVar contains an entry for this variant (Variation ID: 456498). Variants that disrupt the consensus splice site are a relatively common cause of aberrant splicing (PMID: 17576681, 9536098). Algorithms developed to predict the effect of sequence changes on RNA splicing suggest that this variant is not likely to affect RNA splicing. In summary, the available evidence is currently insufficient to determine the role of this variant in disease. Therefore, it has been classified as a Variant of Uncertain Significance.

Fulgent Genetics
Classification: Uncertain significance for Glycogen storage disease type III. Last evaluated: 2021-07-19. Review status: criteria provided, single submitter. Criteria: ACMG Guidelines, 2015. Collection method: clinical testing. Allele origin: unknown.

Natera, Inc.
Classification: Uncertain significance for Glycogen storage disease type III. Last evaluated: 2020-02-26. Review status: no assertion criteria provided. Collection method: clinical testing. Allele origin: germline. Not counted in ClinVar's aggregate classification.

Mayo Clinic Laboratories, Mayo Clinic
Classification: Uncertain significance. Last evaluated: 2017-10-03. Review status: no assertion criteria provided. Collection method: clinical testing. Allele origin: unknown. Not counted in ClinVar's aggregate classification.

Literature cited by the submitters: PubMed 17576681 (cited by Labcorp Genetics (formerly Invitae), Labcorp); PubMed 9536098 (cited by Labcorp Genetics (formerly Invitae), Labcorp).